The following is an entry in ClinVar:

NM_006610.4(MASP2):c.544+452C>A

Gene: MASP2 (MBL associated serine protease 2; minus strand). Cytogenetic location: 1p36.22.
Variant type: single nucleotide variant.
Coding change: c.544+452C>A on transcript NM_006610.4 (MANE Select); 452 bases into the intron after coding-DNA position 544, C replaced by A.
Molecular consequence: intron variant.
Genome position (GRCh38, 1-based): chr1:11,044,956, G>T on the plus strand (C>A on the coding strand, the complement: MASP2 is on the minus strand). VCF-style: chr1-11044956-G-T. GRCh37 (hg19) VCF-style: chr1-11105013-G-T.
Other names: c.545-3C>A (NM_139208.3).
Identifiers: ClinVar variation 5001059 (VCV005001059.1).
Genomic context (GRCh38, chr1:11,044,956, plus strand): 5'-CTCTGGCTTCTGACCTGCTGGGCAGGCCGGAGCTCCAGGGGAGGCTAGAGGCTCTGCTCT[G>T]GAAGAGAGATCAGAGAGGCAAGGAGAGACACCGAGAGGGAGAAACCGAGTCGGGGGAGGC-3'

ClinVar aggregate classification (germline): Uncertain significance (1 of 4 stars; one submission).

Conditions:
MASP2-related disorder. Also called: MASP2-related condition.

gnomAD v4.1: 1 of 1,610,420 alleles (0.000062%); highest among the groups gnomAD compares: South Asian, 0.0011%; no homozygotes.

Submission:

PreventionGenetics, part of Exact Sciences
Classification: Uncertain significance for MASP2-related condition. Last evaluated: 2025-05-28. Review status: criteria provided, single submitter. Criteria: ACMG Guidelines, 2015. Collection method: clinical testing. Allele origin: germline.
Comment: The MASP2 c.544+452C>A variant is predicted to interfere with splicing. Of note, in the alternate transcript (NM_139208.2) this variant is c.545-3C>A which is predicted to alter splicing based on available splicing prediction programs (SpliceAI, Jaganathan et al. 2019. PubMed ID: 30661751). However, such computer prediction programs are imperfect. To our knowledge, this variant has not been reported in the literature or in a large population database (gnomAD), indicating this variant is rare. At this time, the clinical significance of this variant is uncertain due to the absence of conclusive functional and genetic evidence.